The following is an entry in ClinVar:

NM_144498.4(OSBPL2):c.1337C>T (p.Thr446Met)

Gene: OSBPL2 (oxysterol binding protein like 2; plus strand). Cytogenetic location: 20q13.33.
Variant type: single nucleotide variant.
Coding change: c.1337C>T on transcript NM_144498.4 (MANE Select); coding-DNA position 1337, C replaced by T.
Protein change: p.Thr446Met; replaces threonine 446 with methionine.
Molecular consequence: missense variant. On other transcripts: nonsense (1).
Genome position (GRCh38, 1-based): chr20:62,291,790, C>T. VCF-style: chr20-62291790-C-T. GRCh37 (hg19) VCF-style: chr20-60866846-C-T.
Other names: c.937C>T, p.Arg313Ter (NM_001278649.3); c.1061C>T, p.Thr354Met (NM_001363878.2); c.1301C>T, p.Thr434Met (NM_014835.5); c.1337C>T (NM_144498.1); short protein forms T354M, T434M, T446M, R313*.
Identifiers: ClinVar variation 2967933 (VCV002967933.4), dbSNP rs1291158471, ClinGen allele CA409522639.

ClinVar aggregate classification (germline): Uncertain significance. Review status: criteria provided, multiple submitters, no conflicts (2 of 4 stars). 2 submissions from 2 submitters: Uncertain significance (2). Last evaluated 2025-08-12.

Conditions:
Inborn genetic diseases. Identifiers: MedGen C0950123, MeSH D030342.

Allele frequency attached by ClinVar (database versions not stated): gnomAD exomes 0.00001; TOPMed 0.00001; gnomAD 0.00001.
gnomAD v4.1: 4 of 1,563,456 alleles (0.00026%); highest among the groups gnomAD compares: African/African-American, 0.0015%; no homozygotes.

Submissions (2):

Ambry Genetics
Classification: Uncertain significance for Inborn genetic diseases. Last evaluated: 2025-08-12. Review status: criteria provided, single submitter. Criteria: Ambry Variant Classification Scheme 2023. Collection method: clinical testing. Allele origin: germline.

Labcorp Genetics (formerly Invitae), Labcorp
Classification: Uncertain significance. Last evaluated: 2025-03-17. Review status: criteria provided, single submitter. Criteria: Invitae Variant Classification Sherloc (09022015). Collection method: clinical testing. Allele origin: germline.
Comment: This sequence change replaces threonine, which is neutral and polar, with methionine, which is neutral and non-polar, at codon 446 of the OSBPL2 protein (p.Thr446Met). This variant is not present in population databases (gnomAD no frequency). This variant has not been reported in the literature in individuals affected with OSBPL2-related conditions. ClinVar contains an entry for this variant (Variation ID: 2967933). An algorithm developed to predict the effect of missense changes on protein structure and function (PolyPhen-2) suggests that this variant is likely to be disruptive. In summary, the available evidence is currently insufficient to determine the role of this variant in disease. Therefore, it has been classified as a Variant of Uncertain Significance.